The following is an entry in ClinVar:

NM_020884.7(MYH7B):c.3241C>G (p.Gln1081Glu)

Gene: MYH7B (myosin heavy chain 7B; plus strand). Cytogenetic location: 20q11.22.
Variant type: single nucleotide variant.
Coding change: c.3241C>G on transcript NM_020884.7 (MANE Select); coding-DNA position 3241, C replaced by G.
Protein change: p.Gln1081Glu; replaces glutamine 1081 with glutamic acid.
Molecular consequence: missense variant.
Genome position (GRCh38, 1-based): chr20:34,996,733, C>G. VCF-style: chr20-34996733-C-G. GRCh37 (hg19) VCF-style: chr20-33584536-C-G.
Other names: c.3367C>G (NM_020884.3); short protein forms Q1081E.
Identifiers: ClinVar variation 1484662 (VCV001484662.9), dbSNP rs760263936, ClinGen allele CA9827674.

ClinVar aggregate classification (germline): Uncertain significance. Review status: criteria provided, multiple submitters, no conflicts (2 of 4 stars). 2 submissions from 2 submitters: Uncertain significance (2). Last evaluated 2022-05-06.

Allele frequency attached by ClinVar (database versions not stated): gnomAD 0.00001; gnomAD exomes 0.00001; TOPMed 0.00002; ExAC 0.00003.
gnomAD v4.1: 4 of 1,612,702 alleles (0.00025%); highest among the groups gnomAD compares: Admixed American, 0.0067%; no homozygotes.

Submissions (2):

Ambry Genetics
Classification: Uncertain significance. Last evaluated: 2022-05-06. Review status: criteria provided, single submitter. Criteria: Ambry Variant Classification Scheme 2023. Collection method: clinical testing. Allele origin: germline.

Labcorp Genetics (formerly Invitae), Labcorp
Classification: Uncertain significance. Last evaluated: 2021-02-01. Review status: criteria provided, single submitter. Criteria: Invitae Variant Classification Sherloc (09022015). Collection method: clinical testing. Allele origin: germline.
Comment: In summary, the available evidence is currently insufficient to determine the role of this variant in disease. Therefore, it has been classified as a Variant of Uncertain Significance. Algorithms developed to predict the effect of missense changes on protein structure and function are either unavailable or do not agree on the potential impact of this missense change (SIFT: "Deleterious"; PolyPhen-2: "Benign"; Align-GVGD: "Class C25"). This variant has not been reported in the literature in individuals with MYH7B-related conditions. This variant is present in population databases (rs760263936, ExAC 0.03%). This sequence change replaces glutamine with glutamic acid at codon 1123 of the MYH7B protein (p.Gln1123Glu). The glutamine residue is highly conserved and there is a small physicochemical difference between glutamine and glutamic acid.